The following is an entry in ClinVar:

ClinVar aggregate classification (germline): Uncertain significance (1 of 4 stars; one submission).

Conditions:
Joubert syndrome 23 (JBTS23). Identifiers: Orphanet 475, MedGen C4084822, MONDO:0014664, OMIM 616490.
Short-rib thoracic dysplasia 14 with polydactyly (SRTD14). Identifiers: Orphanet 397715, MedGen C4225286, MONDO:0014688, OMIM 616546.

Allele frequency attached by ClinVar (database versions not stated): TOPMed 0.00002.
gnomAD v4.1: 6 of 1,551,250 alleles (0.00039%); highest among the groups gnomAD compares: Admixed American, 0.0078%; no homozygotes.

Submission:

Labcorp Genetics (formerly Invitae), Labcorp
Classification: Uncertain significance for Joubert syndrome 23; Short-rib thoracic dysplasia 14 with polydactyly. Last evaluated: 2022-09-06. Review status: criteria provided, single submitter. Criteria: Invitae Variant Classification Sherloc (09022015). Collection method: clinical testing. Allele origin: germline.
Comment: In summary, the available evidence is currently insufficient to determine the role of this variant in disease. Therefore, it has been classified as a Variant of Uncertain Significance. Algorithms developed to predict the effect of missense changes on protein structure and function are either unavailable or do not agree on the potential impact of this missense change (SIFT: "Deleterious"; PolyPhen-2: "Possibly Damaging"; Align-GVGD: "Class C0"). ClinVar contains an entry for this variant (Variation ID: 1508420). This variant has not been reported in the literature in individuals affected with KIAA0586-related conditions. This variant is present in population databases (no rsID available, gnomAD 0.008%). This sequence change replaces lysine, which is basic and polar, with glutamine, which is neutral and polar, at codon 1367 of the KIAA0586 protein (p.Lys1367Gln).

NM_001329943.3(KIAA0586):c.3940A>C (p.Lys1314Gln)

Gene: KIAA0586 (KIAA0586; plus strand). Cytogenetic location: 14q23.1.
Variant type: single nucleotide variant.
Coding change: c.3940A>C on transcript NM_001329943.3 (MANE Select); coding-DNA position 3940, A replaced by C.
Protein change: p.Lys1314Gln; replaces lysine 1314 with glutamine.
Molecular consequence: missense variant. On other transcripts: intron variant (1).
Genome position (GRCh38, 1-based): chr14:58,492,225, A>C. VCF-style: chr14-58492225-A-C. GRCh37 (hg19) VCF-style: chr14-58958943-A-C.
Other names: c.4099A>C, p.Lys1367Gln (NM_001244189.2); c.3895A>C, p.Lys1299Gln (NM_001244190.2); c.3685A>C, p.Lys1229Gln (NM_001244191.2, NM_001329945.2, NM_001364700.1 and 1 more transcripts); c.3808A>C, p.Lys1270Gln (NM_001244192.2); c.3520A>C, p.Lys1174Gln (NM_001244193.2); c.3940A>C, p.Lys1314Gln (NM_001329944.2, NM_001329946.2); c.3712A>C, p.Lys1238Gln (NM_014749.5); c.3858+1985A>C (NM_001329947.2); short protein forms K1174Q, K1238Q, K1367Q, K1299Q, K1270Q, K1314Q, K1229Q.
Identifiers: ClinVar variation 1508420 (VCV001508420.6), dbSNP rs1270703288, ClinGen allele CA389884598.